The following is an entry in ClinVar:

NM_001048174.2(MUTYH):c.478G>A (p.Glu160Lys)

Gene: MUTYH (mutY DNA glycosylase; minus strand). Cytogenetic location: 1p34.1.
Variant type: single nucleotide variant.
Coding change: c.478G>A on transcript NM_001048174.2 (MANE Select); coding-DNA position 478, G replaced by A.
Protein change: p.Glu160Lys; replaces glutamic acid 160 with lysine.
Molecular consequence: missense variant. On other transcripts: non-coding transcript variant (2).
Genome position (GRCh38, 1-based): chr1:45,332,777, C>T on the plus strand (G>A on the coding strand, the complement: MUTYH is on the minus strand). VCF-style: chr1-45332777-C-T. GRCh37 (hg19) VCF-style: chr1-45798449-C-T.
Other names: c.478G>A, p.Glu160Lys (NM_001048171.2, NM_001048173.2, NM_001293195.2); c.481G>A, p.Glu161Lys (NM_001048172.2); c.562G>A, p.Glu188Lys (NM_001128425.2); c.523G>A, p.Glu175Lys (NM_001293190.2); c.511G>A, p.Glu171Lys (NM_001293191.2); c.202G>A, p.Glu68Lys (NM_001293192.2, NM_001293196.2); c.133G>A, p.Glu45Lys (NM_001350650.2, NM_001350651.2); c.553G>A, p.Glu185Lys (NM_012222.3); short protein forms E188K, E160K, E161K, E171K, E185K, E45K, E68K, E175K.
Identifiers: ClinVar variation 486918 (VCV000486918.17), dbSNP rs1428261191, ClinGen allele CA340135589.

ClinVar aggregate classification (germline): Conflicting classifications of pathogenicity. Review status: criteria provided, conflicting classifications (1 of 4 stars). 4 submissions from 4 submitters: Uncertain significance (3); Likely benign (1). Last evaluated 2025-12-09.

Conditions:
Hereditary cancer-predisposing syndrome. Also called: Hereditary neoplastic syndrome; Hereditary Cancer Syndrome; Neoplastic Syndromes, Hereditary; Tumor predisposition. Identifiers: Orphanet 140162, MedGen C0027672, MeSH D009386, MONDO:0015356.
Familial adenomatous polyposis 2. Also called: MYH-associated polyposis; COLORECTAL ADENOMATOUS POLYPOSIS, AUTOSOMAL RECESSIVE; ADENOMAS, MULTIPLE COLORECTAL, AUTOSOMAL RECESSIVE; MUTYH-related attenuated familial adenomatous polyposis; Adenomas, multiple colorectal; FAP type 2. Identifiers: Orphanet 220460, Orphanet 247798, MedGen C3272841, MONDO:0012041, OMIM 608456.

Allele frequency attached by ClinVar (database versions not stated): TOPMed below 0.00001; gnomAD 0.00001.
gnomAD v4.1: 1 of 1,614,074 alleles (0.000062%); highest among the groups gnomAD compares: African/African-American, 0.0013%; no homozygotes.

Submissions (4):

Labcorp Genetics (formerly Invitae), Labcorp
Classification: Uncertain significance for Familial adenomatous polyposis 2. Last evaluated: 2025-12-09. Review status: criteria provided, single submitter. Criteria: Invitae Variant Classification Sherloc (09022015). Collection method: clinical testing. Allele origin: germline.
Comment: This sequence change replaces glutamic acid, which is acidic and polar, with lysine, which is basic and polar, at codon 188 of the MUTYH protein (p.Glu188Lys). This variant is not present in population databases (gnomAD no frequency). This variant has not been reported in the literature in individuals affected with MUTYH-related conditions. ClinVar contains an entry for this variant (Variation ID: 486918). An algorithm developed to predict the effect of missense changes on protein structure and function (PolyPhen-2) suggests that this variant is likely to be disruptive. In summary, the available evidence is currently insufficient to determine the role of this variant in disease. Therefore, it has been classified as a Variant of Uncertain Significance.

Ambry Genetics
Classification: Likely benign for Hereditary cancer-predisposing syndrome. Last evaluated: 2025-09-15. Review status: criteria provided, single submitter. Criteria: Ambry Variant Classification Scheme 2023. Collection method: clinical testing. Allele origin: germline.

Baylor Genetics
Classification: Uncertain significance for Familial adenomatous polyposis 2. Last evaluated: 2023-08-05. Review status: criteria provided, single submitter. Criteria: ACMG Guidelines, 2015. Collection method: clinical testing. Allele origin: unknown.

Color Diagnostics, LLC DBA Color Health
Classification: Uncertain significance for Hereditary cancer-predisposing syndrome. Last evaluated: 2022-06-09. Review status: criteria provided, single submitter. Criteria: ACMG Guidelines, 2015. Collection method: clinical testing. Allele origin: germline.
Comment: This missense variant replaces glutamic acid with lysine at codon 188 of the MUTYH protein. Computational prediction suggests that this variant may not impact protein structure and function (internally defined REVEL score threshold <= 0.5, PMID: 27666373). To our knowledge, functional studies have not been reported for this variant. This variant has not been reported in individuals affected with hereditary cancer in the literature. This variant has not been identified in the general population by the Genome Aggregation Database (gnomAD). The available evidence is insufficient to determine the role of this variant in disease conclusively. Therefore, this variant is classified as a Variant of Uncertain Significance.